The following is an entry in ClinVar:

ClinVar aggregate classification (germline): Likely benign (1 of 4 stars; one submission).

Allele frequency attached by ClinVar (database versions not stated): gnomAD exomes 0.00001.
gnomAD v4.1: 8 of 1,613,934 alleles (0.0005%); highest among the groups gnomAD compares: Non-Finnish European, 0.00068%; no homozygotes.

Submission:

CeGaT Center for Human Genetics Tuebingen
Classification: Likely benign. Last evaluated: 2025-06-01. Review status: criteria provided, single submitter. Criteria: CeGaT Center For Human Genetics Tuebingen Variant Classification Criteria Version 2. Collection method: clinical testing. Allele origin: germline. Affected: yes. Observed: 1 variant allele.
Comment: TRIP12: BP4

NM_001348323.3(TRIP12):c.5841C>T (p.Asp1947=)

Gene: TRIP12 (thyroid hormone receptor interactor 12; minus strand). Cytogenetic location: 2q36.3.
Variant type: single nucleotide variant.
Coding change: c.5841C>T on transcript NM_001348323.3 (MANE Select); coding-DNA position 5841, C replaced by T.
Protein change: p.Asp1947=; no amino-acid change (aspartic acid 1947 retained).
Molecular consequence: synonymous variant.
Genome position (GRCh38, 1-based): chr2:229,769,293, G>A on the plus strand (C>T on the coding strand, the complement: TRIP12 is on the minus strand). VCF-style: chr2-229769293-G-A. GRCh37 (hg19) VCF-style: chr2-230634009-G-A.
Other names: c.5841C>T, p.Asp1947= (NM_001348325.2, NM_001348326.2, NM_001348327.2 and 2 more transcripts); c.5844C>T, p.Asp1948= (NM_001348328.1, NM_001348329.2, NM_001348330.2); c.5619C>T, p.Asp1873= (NM_001348331.1); c.5739C>T, p.Asp1913= (NM_001348332.1); c.5763C>T, p.Asp1921= (NM_001348333.1); c.5616C>T, p.Asp1872= (NM_004238.3); c.5760C>T, p.Asp1920= (NM_001284214.2, NM_001348315.2); c.5715C>T, p.Asp1905= (NM_001284215.2, NM_001348316.2); and 4 more.
Identifiers: ClinVar variation 2651972 (VCV002651972.24), dbSNP rs2469798400, ClinGen allele CA431533415.